The following is an entry in ClinVar:

ClinVar aggregate classification (germline): Pathogenic (1 of 4 stars; one submission).

Conditions:
Epilepsy, familial focal, with variable foci 3 (FFEVF3). Identifiers: MedGen C4310708, MONDO:0014925, OMIM 617118.

Submission:

Labcorp Genetics (formerly Invitae), Labcorp
Classification: Pathogenic for Epilepsy, familial focal, with variable foci 3. Last evaluated: 2022-10-26. Review status: criteria provided, single submitter. Criteria: Invitae Variant Classification Sherloc (09022015). Collection method: clinical testing. Allele origin: germline.
Comment: This variant is a gross deletion of the genomic region encompassing exon(s) 8 of the NPRL3 gene. This variant would be expected to be in-frame, preserving the integrity of the reading frame. A similar copy number variant has been observed in individuals with clinical features of familial focal epilepsy with variable foci (FFEVF) (Invitae). It has also been observed to segregate with disease in related individuals. For these reasons, this variant has been classified as Pathogenic.

NC_000016.10:g.(?_100352)_(100529_?)del

Genes: HBA-LCR (alpha-globin locus control region; plus strand), NPRL3 (NPR3 like, GATOR1 complex subunit; minus strand). Cytogenetic location: 16p13.3.
Variant type: Deletion.
Identifiers: ClinVar variation 542814 (VCV000542814.3).